The following is an entry in ClinVar:

NM_004260.4(RECQL4):c.1852C>T (p.Arg618Trp)

Gene: RECQL4 (RecQ like helicase 4; minus strand). Cytogenetic location: 8q24.3.
Variant type: single nucleotide variant.
Coding change: c.1852C>T on transcript NM_004260.4 (MANE Select); coding-DNA position 1852, C replaced by T.
Protein change: p.Arg618Trp; replaces arginine 618 with tryptophan.
Molecular consequence: missense variant.
Genome position (GRCh38, 1-based): chr8:144,514,215, G>A on the plus strand (C>T on the coding strand, the complement: RECQL4 is on the minus strand). VCF-style: chr8-144514215-G-A. GRCh37 (hg19) VCF-style: chr8-145739599-G-A.
Other names: short protein forms R618W.
Identifiers: ClinVar variation 529015 (VCV000529015.12), dbSNP rs766726409, ClinGen allele CA4948636.
Genomic context (GRCh38, chr8:144,514,215, plus strand): 5'-CCTGGCCGCCCACCCCAGTTCACATATGGCTCACCTTGCAGACGCGCAGGTAGCAGGGCC[G>A]GAAGTTGTGGGACCACTGGGAGAGGCAGTGGGCCTCATCAATGCAGGCAAAAGCAACTGG-3'
Protein context (NP_004251.4, residues 608-628): HCLSQWSHNF[Arg618Trp]PCYLRVCKVL

ClinVar aggregate classification (germline): Uncertain significance. Review status: criteria provided, multiple submitters, no conflicts (2 of 4 stars). 4 submissions from 4 submitters: Uncertain significance (4). Last evaluated 2026-01-26.

Conditions:
Rothmund-Thomson syndrome type 2 (RTS2). Identifiers: Orphanet 221016, MedGen C5203410, MONDO:0016369, OMIM 268400.
Baller-Gerold syndrome (BGS). Also called: CRANIOSYNOSTOSIS WITH RADIAL DEFECTS. Identifiers: Orphanet 1225, MedGen C0265308, MONDO:0009039, OMIM 218600.

Allele frequency attached by ClinVar (database versions not stated): ExAC 0.00001; gnomAD exomes 0.00002; gnomAD 0.00005 and 0.00006; TOPMed 0.00006.
gnomAD v4.1: 57 of 1,612,182 alleles (0.0035%); highest among the groups gnomAD compares: African/African-American, 0.004%; no homozygotes.

Submissions (4):

Labcorp Genetics (formerly Invitae), Labcorp
Classification: Uncertain significance for Baller-Gerold syndrome. Last evaluated: 2026-01-26. Review status: criteria provided, single submitter. Criteria: Invitae Variant Classification Sherloc (09022015). Collection method: clinical testing. Allele origin: germline.
Comment: This sequence change replaces arginine, which is basic and polar, with tryptophan, which is neutral and slightly polar, at codon 618 of the RECQL4 protein (p.Arg618Trp). This variant is present in population databases (rs766726409, gnomAD 0.01%). This variant has not been reported in the literature in individuals affected with RECQL4-related conditions. ClinVar contains an entry for this variant (Variation ID: 529015). Invitae Evidence Modeling of protein sequence and biophysical properties (such as structural, functional, and spatial information, amino acid conservation, physicochemical variation, residue mobility, and thermodynamic stability) indicates that this missense variant is expected to disrupt RECQL4 protein function with a positive predictive value of 80%. In summary, the available evidence is currently insufficient to determine the role of this variant in disease. Therefore, it has been classified as a Variant of Uncertain Significance.

Center for Genomic Medicine, Rigshospitalet, Copenhagen University Hospital
Classification: Uncertain significance. Last evaluated: 2025-03-04. Review status: criteria provided, single submitter. Criteria: ACMG Guidelines, 2015. Collection method: clinical testing. Allele origin: germline.

GeneDx
Classification: Uncertain significance. Last evaluated: 2024-07-13. Review status: criteria provided, single submitter. Criteria: GeneDx Variant Classification Process June 2021. Collection method: clinical testing. Allele origin: germline. Affected: yes.
Comment: In silico analysis supports that this missense variant has a deleterious effect on protein structure/function; Has not been previously published as pathogenic or benign to our knowledge

St. Jude Molecular Pathology, St. Jude Children's Research Hospital
Classification: Uncertain significance for Rothmund-Thomson syndrome type 2. Last evaluated: 2022-08-17. Review status: criteria provided, single submitter. Criteria: St. Jude Assertion Criteria 2020. Collection method: clinical testing. Allele origin: germline.
Comment: The RECQL4 c.1852C>T (p.Arg618Trp) missense change has a maximum non-founder subpopulation frequency of 0.0042% in gnomAD v2.1.1. In silico tools predict a pathogenic effect of this variant on protein function, but to our knowledge functional studies have not been performed. To our knowledge, this variant has not been reported in individuals with RECQL4-associated conditions. In summary, the evidence currently available is insufficient to determine the clinical significance of this variant. It has therefore been classified as of uncertain significance.

Literature cited by the submitters: PubMed 26125302 (cited by Center for Genomic Medicine, Rigshospitalet, Copenhagen University Hospital); PubMed 25915596 (cited by Center for Genomic Medicine, Rigshospitalet, Copenhagen University Hospital).